The following is an entry in ClinVar:

NM_033064.5(ATCAY):c.544+16dup

Gene: ATCAY (ATCAY kinesin light chain interacting caytaxin; plus strand). Cytogenetic location: 19p13.3.
Variant type: Duplication.
Coding change: c.544+16dup on transcript NM_033064.5 (MANE Select); 16 bases into the intron after coding-DNA position 544, one base duplicated (C; older notation c.544+16dupC).
Molecular consequence: intron variant.
Genome position (GRCh38, 1-based): chr19:3,907,935, C duplicated; the last of 6 consecutive C bases (chr19:3,907,930-3,907,935); duplicating any one gives the same sequence. VCF-style (leftmost placement, unchanged base first): chr19-3907929-G-GC. GRCh37 (hg19) VCF-style: chr19-3907927-G-GC.
Other names: p.?.
Identifiers: ClinVar variation 329145 (VCV000329145.7), dbSNP rs140914543, ClinGen allele CA9087213.

ClinVar aggregate classification (germline): Benign. Review status: criteria provided, multiple submitters, no conflicts (2 of 4 stars). 2 submissions from 2 submitters: Benign (2). Last evaluated 2025-02-25.

Submissions (2):

Mayo Clinic Laboratories, Mayo Clinic
Classification: Benign. Last evaluated: 2025-02-25. Review status: criteria provided, single submitter. Criteria: ACMG Guidelines, 2015. Collection method: clinical testing. Allele origin: germline. Observed: 2 variant alleles.
Comment: BS1, BS2

Blueprint Genetics
Classification: Benign. Last evaluated: 2024-11-25. Review status: criteria provided, single submitter. Criteria: ACMG Guidelines, 2015. Collection method: clinical testing. Allele origin: germline.